The following is an entry in ClinVar:

NM_001378454.1(ALMS1):c.4846G>A (p.Gly1616Ser)

Gene: ALMS1 (ALMS1 centrosome and basal body associated protein; plus strand). Cytogenetic location: 2p13.1.
Variant type: single nucleotide variant.
Coding change: c.4846G>A on transcript NM_001378454.1 (MANE Select); coding-DNA position 4846, G replaced by A.
Protein change: p.Gly1616Ser; replaces glycine 1616 with serine.
Molecular consequence: missense variant.
Genome position (GRCh38, 1-based): chr2:73,451,373, G>A. VCF-style: chr2-73451373-G-A. GRCh37 (hg19) VCF-style: chr2-73678500-G-A.
Other names: c.4849G>A, p.Gly1617Ser (NM_015120.4); short protein forms G1617S, G1616S.
Identifiers: ClinVar variation 1989814 (VCV001989814.4), dbSNP rs1558649731, ClinGen allele CA347279382.
Genomic context (GRCh38, chr2:73,451,373, plus strand): 5'-AAAGTTTCCATTGTTTCTGGACCTACTGAAAAAAAGACTGACATACCAGCAGGACCTTTA[G>A]GTTCCAGTGCACTTGGAGAGAAGCCCATTACTTTCTACCGGCAGGCTCTGCTAGACAGTC-3'
Protein context (NP_001365383.1, residues 1606-1626): KKTDIPAGPL[Gly1616Ser]SSALGEKPIT

ClinVar aggregate classification (germline): Uncertain significance (1 of 4 stars; one submission).

Conditions:
Alstrom syndrome (ALMS). Identifiers: Orphanet 64, MedGen C0268425, MONDO:0008763, OMIM 203800.

Allele frequency attached by ClinVar (database versions not stated): gnomAD 0.00001.
gnomAD v4.1: 1 of 1,613,534 alleles (0.000062%); highest among the groups gnomAD compares: Admixed American, 0.0017%; no homozygotes.

Submission:

Labcorp Genetics (formerly Invitae), Labcorp
Classification: Uncertain significance for Alstrom syndrome. Last evaluated: 2022-10-17. Review status: criteria provided, single submitter. Criteria: Invitae Variant Classification Sherloc (09022015). Collection method: clinical testing. Allele origin: germline.
Comment: In summary, the available evidence is currently insufficient to determine the role of this variant in disease. Therefore, it has been classified as a Variant of Uncertain Significance. Experimental studies and prediction algorithms are not available or were not evaluated, and the functional significance of this variant is currently unknown. This variant has not been reported in the literature in individuals affected with ALMS1-related conditions. This variant is not present in population databases (gnomAD no frequency). This sequence change replaces glycine, which is neutral and non-polar, with serine, which is neutral and polar, at codon 1617 of the ALMS1 protein (p.Gly1617Ser).